The following is an entry in ClinVar:

ClinVar aggregate classification (germline): Uncertain significance (1 of 4 stars; one submission).

gnomAD v4.1: 3 of 1,551,136 alleles (0.00019%); highest among the groups gnomAD compares: Middle Eastern, 0.017%; no homozygotes.

Submission:

Labcorp Genetics (formerly Invitae), Labcorp
Classification: Uncertain significance. Last evaluated: 2023-12-18. Review status: criteria provided, single submitter. Criteria: Invitae Variant Classification Sherloc (09022015). Collection method: clinical testing. Allele origin: germline.
Comment: This sequence change replaces aspartic acid, which is acidic and polar, with glycine, which is neutral and non-polar, at codon 646 of the EYS protein (p.Asp646Gly). This variant is not present in population databases (gnomAD no frequency). This variant has not been reported in the literature in individuals affected with EYS-related conditions. Algorithms developed to predict the effect of missense changes on protein structure and function output the following: SIFT: "Not Available"; PolyPhen-2: "Benign"; Align-GVGD: "Not Available". The glycine amino acid residue is found in multiple mammalian species, which suggests that this missense change does not adversely affect protein function. In summary, the available evidence is currently insufficient to determine the role of this variant in disease. Therefore, it has been classified as a Variant of Uncertain Significance.

NM_001142800.2(EYS):c.1937A>G (p.Asp646Gly)

Gene: EYS (EGF-like photoreceptor maintenance factor; minus strand). Cytogenetic location: 6q12.
Variant type: single nucleotide variant.
Coding change: c.1937A>G on transcript NM_001142800.2 (MANE Select); coding-DNA position 1937, A replaced by G.
Protein change: p.Asp646Gly; replaces aspartic acid 646 with glycine.
Molecular consequence: missense variant.
Genome position (GRCh38, 1-based): chr6:65,295,949, T>C on the plus strand (A>G on the coding strand, the complement: EYS is on the minus strand). VCF-style: chr6-65295949-T-C. GRCh37 (hg19) VCF-style: chr6-66005842-T-C.
Other names: c.1937A>G, p.Asp646Gly (NM_001292009.2); short protein forms D646G.
Identifiers: ClinVar variation 2912115 (VCV002912115.3), dbSNP rs780527503, ClinGen allele CA364659479.